The following is an entry in ClinVar:

NM_001101362.3(KBTBD13):c.1356T>G (p.Thr452=)

Gene: KBTBD13 (kelch repeat and BTB domain containing 13; plus strand). Cytogenetic location: 15q22.31.
Variant type: single nucleotide variant.
Coding change: c.1356T>G on transcript NM_001101362.3 (MANE Select); coding-DNA position 1356, T replaced by G.
Protein change: p.Thr452=; no amino-acid change (threonine 452 retained).
Molecular consequence: synonymous variant.
Genome position (GRCh38, 1-based): chr15:65,078,171, T>G. VCF-style: chr15-65078171-T-G. GRCh37 (hg19) VCF-style: chr15-65370509-T-G.
Identifiers: ClinVar variation 2748285 (VCV002748285.3), dbSNP rs2506313614, ClinGen allele CA490828885.

ClinVar aggregate classification (germline): Uncertain significance (1 of 4 stars; one submission).

Conditions:
Nemaline myopathy 6 (NEM6). Also called: Nemaline myopathy 6, autosomal dominant. Identifiers: Orphanet 171439, MedGen C1836472, MONDO:0012237, OMIM 609273.

Submission:

Labcorp Genetics (formerly Invitae), Labcorp
Classification: Uncertain significance for Nemaline myopathy 6. Last evaluated: 2023-09-10. Review status: criteria provided, single submitter. Criteria: Invitae Variant Classification Sherloc (09022015). Collection method: clinical testing. Allele origin: germline.
Comment: This variant has not been reported in the literature in individuals affected with KBTBD13-related conditions. This sequence change affects codon 452 of the KBTBD13 mRNA. It is a 'silent' change, meaning that it does not change the encoded amino acid sequence of the KBTBD13 protein. This variant is not present in population databases (gnomAD no frequency). In summary, the available evidence is currently insufficient to determine the role of this variant in disease. Therefore, it has been classified as a Variant of Uncertain Significance.